The following is an entry in ClinVar:

NM_000843.4(GRM6):c.366C>A (p.Asp122Glu)

Gene: GRM6 (glutamate metabotropic receptor 6; minus strand). Cytogenetic location: 5q35.3.
Variant type: single nucleotide variant.
Coding change: c.366C>A on transcript NM_000843.4 (MANE Select); coding-DNA position 366, C replaced by A.
Protein change: p.Asp122Glu; replaces aspartic acid 122 with glutamic acid.
Molecular consequence: missense variant.
Genome position (GRCh38, 1-based): chr5:178,994,579, G>T on the plus strand (C>A on the coding strand, the complement: GRM6 is on the minus strand). VCF-style: chr5-178994579-G-T. GRCh37 (hg19) VCF-style: chr5-178421580-G-T.
Other names: short protein forms D122E.
Identifiers: ClinVar variation 1995215 (VCV001995215.4), dbSNP rs1193779719, ClinGen allele CA362436059.

ClinVar aggregate classification (germline): Uncertain significance (1 of 4 stars; one submission).

Submission:

Labcorp Genetics (formerly Invitae), Labcorp
Classification: Uncertain significance. Last evaluated: 2024-03-11. Review status: criteria provided, single submitter. Criteria: Invitae Variant Classification Sherloc (09022015). Collection method: clinical testing. Allele origin: germline.
Comment: This sequence change replaces aspartic acid, which is acidic and polar, with glutamic acid, which is acidic and polar, at codon 122 of the GRM6 protein (p.Asp122Glu). This variant is not present in population databases (gnomAD no frequency). This variant has not been reported in the literature in individuals affected with GRM6-related conditions. ClinVar contains an entry for this variant (Variation ID: 1995215). Advanced modeling of protein sequence and biophysical properties (such as structural, functional, and spatial information, amino acid conservation, physicochemical variation, residue mobility, and thermodynamic stability) performed at Invitae indicates that this missense variant is not expected to disrupt GRM6 protein function with a negative predictive value of 95%. In summary, the available evidence is currently insufficient to determine the role of this variant in disease. Therefore, it has been classified as a Variant of Uncertain Significance.